The following is an entry in ClinVar:

ClinVar aggregate classification (germline): Conflicting classifications of pathogenicity. Review status: criteria provided, conflicting classifications (1 of 4 stars). 2 submissions from 2 submitters: Likely pathogenic (1); Uncertain significance (1). Last evaluated 2025-11-03.

Conditions:
Familial hemophagocytic lymphohistiocytosis 2 (FHL2). Also called: PRF1-Related Familial Hemophagocytic Lymphohistiocytosis (PRF1-fHLH). Identifiers: Orphanet 540, MedGen C1863727, MONDO:0011337, OMIM 603553.

gnomAD v4.1: 2 of 1,614,102 alleles (0.00012%); highest among the groups gnomAD compares: African/African-American, 0.0027%; no homozygotes.

Submissions (2):

Myriad Genetics, Inc.
Classification: Uncertain significance for Familial hemophagocytic lymphohistiocytosis 2. Last evaluated: 2025-11-03. Review status: criteria provided, single submitter. Criteria: Myriad Autosomal Dominant, Autosomal Recessive and X-Linked Classification Criteria (2023). Collection method: clinical testing. Allele origin: unknown.
Comment: NM_001083116.1(PRF1):c.443C>A(A148D) is a missense variant classified as a variant of uncertain significance in the context of familial hemophagocytic lymphohistiocytosis, PRF1-related. A148D has been observed in a case with relevant disease (PMID: 26450956). Relevant functional assessments of this variant are not available in the literature. A148D has been observed in referenced population frequency databases. In summary, there is insufficient evidence to classify NM_001083116.1(PRF1):c.443C>A(A148D) as pathogenic or benign. Please note: this variant was assessed in the context of healthy population screening.

GeneDx
Classification: Likely pathogenic. Last evaluated: 2025-04-03. Review status: criteria provided, single submitter. Criteria: GeneDx Variant Classification Process June 2021. Collection method: clinical testing. Allele origin: germline. Affected: yes.
Comment: Reported with a second PRF1 variant in a patient with familial hemophagocytic lymphohistiocytosis; it is not known if the variants are on the same allele (in cis) or opposite alleles (in trans) (PMID: 26450956); Not observed at significant frequency in large population cohorts (gnomAD); In silico analysis supports that this missense variant has a deleterious effect on protein structure/function; This variant is associated with the following publications: (PMID: 26450956)

Literature cited by the submitters: PubMed 26450956 (cited by Myriad Genetics, Inc.).

NM_001083116.3(PRF1):c.443C>A (p.Ala148Asp)

Gene: PRF1 (perforin 1; minus strand). Cytogenetic location: 10q22.1.
Variant type: single nucleotide variant.
Coding change: c.443C>A on transcript NM_001083116.3 (MANE Select); coding-DNA position 443, C replaced by A.
Protein change: p.Ala148Asp; replaces alanine 148 with aspartic acid.
Molecular consequence: missense variant.
Genome position (GRCh38, 1-based): chr10:70,600,460, G>T on the plus strand (C>A on the coding strand, the complement: PRF1 is on the minus strand). VCF-style: chr10-70600460-G-T. GRCh37 (hg19) VCF-style: chr10-72360216-G-T.
Other names: c.443C>A, p.Ala148Asp (NM_005041.6); short protein forms A148D.
Identifiers: ClinVar variation 4278565 (VCV004278565.2).